The following is an entry in ClinVar:

NM_014467.3(SRPX2):c.356-38G>A

Gene: SRPX2 (sushi repeat containing protein X-linked 2; plus strand). Cytogenetic location: Xq22.1.
Variant type: single nucleotide variant.
Coding change: c.356-38G>A on transcript NM_014467.3 (MANE Select); 38 bases into the intron before coding-DNA position 356, G replaced by A.
Molecular consequence: intron variant.
Genome position (GRCh38, 1-based): chrX:100,664,736, G>A. VCF-style: chrX-100664736-G-A. GRCh37 (hg19) VCF-style: chrX-99919733-G-A.
Identifiers: ClinVar variation 670790 (VCV000670790.4), dbSNP rs2022475, ClinGen allele CA10469474.

ClinVar aggregate classification (germline): Benign. Review status: criteria provided, multiple submitters, no conflicts (2 of 4 stars). 3 submissions from 3 submitters: Benign (3). Last evaluated 2021-07-15.

Conditions:
Rolandic epilepsy, impaired intellectual development, and speech dyspraxia, X-linked. Also called: Rolandic epilepsy, intellectual disability, and speech dyspraxia, X-linked; Rolandic epilepsy, impaired intellectual development, and speech dyspraxia. Identifiers: MedGen C1845070, MONDO:0010388, OMIM 300643.

Allele frequency attached by ClinVar (database versions not stated): 1000 Genomes Project 0.74834; ESP Exome Variant Server 0.79538; gnomAD 0.83087; 1000 Genomes Project 30x 0.74235; TOPMed 0.80130; ExAC 0.89063; gnomAD exomes 0.90739.

Submissions (3):

Genome-Nilou Lab
Classification: Benign for Rolandic epilepsy, impaired intellectual development, and speech dyspraxia, X-linked. Last evaluated: 2021-07-15. Review status: criteria provided, single submitter. Criteria: ACMG Guidelines, 2015. Collection method: clinical testing. Allele origin: germline. Affected: no.

GeneDx
Classification: Benign. Last evaluated: 2018-06-14. Review status: criteria provided, single submitter. Criteria: GeneDx Variant Classification (06012015). Collection method: clinical testing. Allele origin: germline. Affected: yes.
Comment: This variant is considered likely benign or benign based on one or more of the following criteria: it is a conservative change, it occurs at a poorly conserved position in the protein, it is predicted to be benign by multiple in silico algorithms, and/or has population frequency not consistent with disease.

Breakthrough Genomics
Classification: Benign. Review status: criteria provided, single submitter. Criteria: ACMG Guidelines, 2015. Collection method: not provided. Allele origin: germline. Inheritance: Unknown mechanism. Affected: yes.